The following is an entry in ClinVar:

ClinVar aggregate classification (germline): Likely benign. Review status: criteria provided, multiple submitters, no conflicts (2 of 4 stars). 2 submissions from 2 submitters: Likely benign (2). Last evaluated 2026-06-01.

Submissions (2):

CeGaT Center for Human Genetics Tuebingen
Classification: Likely benign. Last evaluated: 2026-06-01. Review status: criteria provided, single submitter. Criteria: CeGaT Center For Human Genetics Tuebingen Variant Classification Criteria Version 2. Collection method: clinical testing. Allele origin: germline. Affected: yes. Observed: 1 variant allele.
Comment: FLG: BP1, BP4

Blueprint Genetics
Classification: Likely benign. Last evaluated: 2022-11-17. Review status: criteria provided, single submitter. Criteria: ACMG Guidelines, 2015. Collection method: clinical testing. Allele origin: germline.

NM_002016.2(FLG):c.8360G>A (p.Arg2787His)

Genes: CCDST (cervical cancer associated DHX9 suppressive transcript; plus strand), FLG (filaggrin; minus strand). Cytogenetic location: 1q21.3.
Variant type: single nucleotide variant.
Coding change: c.8360G>A on transcript NM_002016.2 (MANE Select); coding-DNA position 8360, G replaced by A.
Protein change: p.Arg2787His; replaces arginine 2787 with histidine.
Molecular consequence: missense variant.
Genome position (GRCh38, 1-based): chr1:152,306,526, C>T on the plus strand (G>A on the coding strand, the complement: FLG is on the minus strand). VCF-style: chr1-152306526-C-T. GRCh37 (hg19) VCF-style: chr1-152279002-C-T.
Other names: short protein forms R2787H.
Identifiers: ClinVar variation 4872262 (VCV004872262.3).